The following is an entry in ClinVar:

ClinVar aggregate classification (germline): Uncertain significance (1 of 4 stars; one submission).

Conditions:
Hennekam lymphangiectasia-lymphedema syndrome 2 (HKLLS2). Identifiers: Orphanet 2136, MedGen C4014939, MONDO:0014454, OMIM 616006.
Van Maldergem syndrome 2 (VMLDS2). Identifiers: Orphanet 314679, MedGen C3809875, MONDO:0014242, OMIM 615546.

Submission:

Clinical Genomics Laboratory, Washington University in St. Louis
Classification: Uncertain significance for Van Maldergem syndrome 2; Hennekam lymphangiectasia-lymphedema syndrome 2. Last evaluated: 2026-04-10. Review status: criteria provided, single submitter. Criteria: ACMG Guidelines, 2015. Collection method: clinical testing. Allele origin: germline.
Comment: A FAT4 c.3982A>G (p.Met1328Val) variant was identified at a near heterozygous allelic fraction of 49.8%, a frequency which may be consistent with it being of germline origin. This variant, to our knowledge, has not been reported in the medical literature or the ClinVar database. It is only observed on 3/1,614,144 alleles in the general population (gnomAD v4.1.1), indicating it is not a common variant. Computational predictors are uncertain as to the impact of this variant on FAT4 function. Due to limited information, and based on ACMG/AMP guidelines for variant interpretation (Richards S et al., PMID: 25741868), the clinical significance of this variant is uncertain at this time.

Literature cited by the submitters: uncertain.

NM_001291303.3(FAT4):c.3982A>G (p.Met1328Val)

Gene: FAT4 (FAT atypical cadherin 4; plus strand). Cytogenetic location: 4q28.1.
Variant type: single nucleotide variant.
Coding change: c.3982A>G on transcript NM_001291303.3 (MANE Select); coding-DNA position 3982, A replaced by G.
Protein change: p.Met1328Val; replaces methionine 1328 with valine.
Molecular consequence: missense variant. On other transcripts: intron variant (1).
Genome position (GRCh38, 1-based): chr4:125,320,393, A>G. VCF-style: chr4-125320393-A-G. GRCh37 (hg19) VCF-style: chr4-126241548-A-G.
Other names: c.3982A>G, p.Met1328Val (NM_001291285.3, NM_001438396.1, NM_001438397.1 and 1 more transcripts); c.-55+4416A>G (NM_001437895.1); short protein forms M1328V.
Identifiers: ClinVar variation 4974644 (VCV004974644.1).